The following is an entry in ClinVar:

ClinVar aggregate classification (germline): Uncertain significance. Review status: criteria provided, multiple submitters, no conflicts (2 of 4 stars). 2 submissions from 2 submitters: Uncertain significance (2). Last evaluated 2025-10-07.

Conditions:
Nephronophthisis 14 (NPHP14). Identifiers: Orphanet 2318, MedGen C3539071, MONDO:0013916, OMIM 614844.

Allele frequency attached by ClinVar (database versions not stated): ExAC 0.00001; gnomAD exomes 0.00001; gnomAD 0.00002; TOPMed 0.00002.
gnomAD v4.1: 14 of 1,613,596 alleles (0.00087%); highest among the groups gnomAD compares: African/African-American, 0.0027%; no homozygotes.

Submissions (2):

Ambry Genetics
Classification: Uncertain significance. Last evaluated: 2025-10-07. Review status: criteria provided, single submitter. Criteria: Ambry Variant Classification Scheme 2023. Collection method: clinical testing. Allele origin: germline.

Labcorp Genetics (formerly Invitae), Labcorp
Classification: Uncertain significance for Nephronophthisis 14. Last evaluated: 2022-04-11. Review status: criteria provided, single submitter. Criteria: Invitae Variant Classification Sherloc (09022015). Collection method: clinical testing. Allele origin: germline.
Comment: Algorithms developed to predict the effect of missense changes on protein structure and function are either unavailable or do not agree on the potential impact of this missense change (SIFT: "Deleterious"; PolyPhen-2: "Probably Damaging"; Align-GVGD: "Class C0"). In summary, the available evidence is currently insufficient to determine the role of this variant in disease. Therefore, it has been classified as a Variant of Uncertain Significance. This sequence change replaces proline, which is neutral and non-polar, with leucine, which is neutral and non-polar, at codon 287 of the ZNF423 protein (p.Pro287Leu). This variant is present in population databases (rs775792952, gnomAD 0.003%). This variant has not been reported in the literature in individuals affected with ZNF423-related conditions. ClinVar contains an entry for this variant (Variation ID: 857638).

NM_001379286.1(ZNF423):c.884C>T (p.Pro295Leu)

Gene: ZNF423 (zinc finger protein 423; minus strand). Cytogenetic location: 16q12.1.
Variant type: single nucleotide variant.
Coding change: c.884C>T on transcript NM_001379286.1 (MANE Select); coding-DNA position 884, C replaced by T.
Protein change: p.Pro295Leu; replaces proline 295 with leucine.
Molecular consequence: missense variant.
Genome position (GRCh38, 1-based): chr16:49,638,292, G>A on the plus strand (C>T on the coding strand, the complement: ZNF423 is on the minus strand). VCF-style: chr16-49638292-G-A. GRCh37 (hg19) VCF-style: chr16-49672203-G-A.
Other names: c.680C>T, p.Pro227Leu (NM_001271620.2); c.509C>T, p.Pro170Leu (NM_001330533.2); c.860C>T, p.Pro287Leu (NM_015069.5); c.860C>T (NM_015069.2); short protein forms P227L, P287L, P170L, P295L.
Identifiers: ClinVar variation 857638 (VCV000857638.8), dbSNP rs775792952, ClinGen allele CA8046800.